The following is an entry in ClinVar:

NM_001242.5(CD27):c.354C>T (p.Thr118=)

Genes: CD27 (CD27 molecule; plus strand), CD27-AS1 (CD27 antisense RNA 1; minus strand). Cytogenetic location: 12p13.31.
Variant type: single nucleotide variant.
Coding change: c.354C>T on transcript NM_001242.5 (MANE Select); coding-DNA position 354, C replaced by T.
Protein change: p.Thr118=; no amino-acid change (threonine 118 retained).
Molecular consequence: synonymous variant.
Genome position (GRCh38, 1-based): chr12:6,450,258, C>T. VCF-style: chr12-6450258-C-T. GRCh37 (hg19) VCF-style: chr12-6559424-C-T.
Identifiers: ClinVar variation 1090725 (VCV001090725.33), dbSNP rs149051653, ClinGen allele CA6406950.

ClinVar aggregate classification (germline): Likely benign. Review status: criteria provided, multiple submitters, no conflicts (2 of 4 stars). 2 submissions from 2 submitters: Likely benign (2). Last evaluated 2025-12-23.

Conditions:
Lymphoproliferative syndrome 2 (LPFS2). Also called: Combined immunodeficiency due to CD27 deficiency; CD27 DEFICIENCY. Identifiers: Orphanet 238505, MedGen C3554540, MONDO:0014054, OMIM 615122.

Allele frequency attached by ClinVar (database versions not stated): gnomAD 0.00001.
gnomAD v4.1: 65 of 1,613,732 alleles (0.004%); highest among the groups gnomAD compares: East Asian, 0.14%; no homozygotes.

Submissions (2):

Labcorp Genetics (formerly Invitae), Labcorp
Classification: Likely benign for Lymphoproliferative syndrome 2. Last evaluated: 2025-12-23. Review status: criteria provided, single submitter. Criteria: Invitae Variant Classification Sherloc (09022015). Collection method: clinical testing. Allele origin: germline.

CeGaT Center for Human Genetics Tuebingen
Classification: Likely benign. Last evaluated: 2022-11-01. Review status: criteria provided, single submitter. Criteria: CeGaT Center For Human Genetics Tuebingen Variant Classification Criteria Version 2. Collection method: clinical testing. Allele origin: germline. Affected: yes. Observed: 1 variant allele.
Comment: CD27: BP4, BP7